The following is an entry in ClinVar:

NM_000094.4(COL7A1):c.1966C>T (p.Gln656Ter)

Gene: COL7A1 (collagen type VII alpha 1 chain; minus strand). Cytogenetic location: 3p21.31.
Variant type: single nucleotide variant.
Coding change: c.1966C>T on transcript NM_000094.4 (MANE Select); coding-DNA position 1966, C replaced by T.
Protein change: p.Gln656Ter; replaces glutamine 656 with a stop codon.
Molecular consequence: nonsense.
Genome position (GRCh38, 1-based): chr3:48,590,297, G>A on the plus strand (C>T on the coding strand, the complement: COL7A1 is on the minus strand). VCF-style: chr3-48590297-G-A. GRCh37 (hg19) VCF-style: chr3-48627730-G-A.
Other names: short protein forms Q656*.
Identifiers: ClinVar variation 5014765 (VCV005014765.1).

ClinVar aggregate classification (germline): Pathogenic (1 of 4 stars; one submission).

Conditions:
Recessive dystrophic epidermolysis bullosa (RDEB). Also called: DYSTROPHIC EPIDERMOLYSIS BULLOSA, AUTOSOMAL RECESSIVE; EPIDERMOLYSIS BULLOSA DYSTROPHICA, HALLOPEAU-SIEMENS TYPE; Hallopeau-Siemens Disease; severe generalized recessive dystrophic epidermolysis bullosa; EPIDERMOLYSIS BULLOSA DYSTROPHICA, GENERALIZED SEVERE, AUTOSOMAL RECESSIVE; Epidermolysis Bullosa Distrophica Autosomal Recessive (RDEB). Identifiers: Orphanet 79408, Orphanet 79409, MedGen C0079474, MONDO:0009179, OMIM 226600.

gnomAD v4.1: 1 of 1,614,068 alleles (0.000062%); highest among the groups gnomAD compares: South Asian, 0.0011%; no homozygotes.

Submission:

Myriad Genetics, Inc.
Classification: Pathogenic for Recessive dystrophic epidermolysis bullosa. Last evaluated: 2025-07-23. Review status: criteria provided, single submitter. Criteria: Myriad Autosomal Dominant, Autosomal Recessive and X-Linked Classification Criteria (2023). Collection method: clinical testing. Allele origin: unknown.
Comment: NM_000094.3(COL7A1):c.1966C>T(Q656*) is expected to be pathogenic in the context of dystrophic epidermolysis bullosa. This variant is predicted to lead to an abnormal or absent protein product due to the creation of a premature termination codon in COL7A1, a gene where loss-of-function variants are known to be pathogenic. Please note: this variant was assessed in the context of healthy population screening.